The following is an entry in ClinVar:

ClinVar aggregate classification (germline): Uncertain significance (1 of 4 stars; one submission).

Allele frequency attached by ClinVar (database versions not stated): ExAC 0.00001; gnomAD 0.00001; gnomAD exomes 0.00001 and 0.00003; TOPMed 0.00001.
gnomAD v4.1: 48 of 1,612,304 alleles (0.003%); highest among the groups gnomAD compares: Non-Finnish European, 0.0038%; no homozygotes.

Submission:

Labcorp Genetics (formerly Invitae), Labcorp
Classification: Uncertain significance. Last evaluated: 2020-01-20. Review status: criteria provided, single submitter. Criteria: Invitae Variant Classification Sherloc (09022015). Collection method: clinical testing. Allele origin: germline.
Comment: Algorithms developed to predict the effect of missense changes on protein structure and function (SIFT, PolyPhen-2, Align-GVGD) all suggest that this variant is likely to be disruptive, but these predictions have not been confirmed by published functional studies and their clinical significance is uncertain. This sequence change replaces glycine with arginine at codon 1543 of the KIAA1549 protein (p.Gly1543Arg). The glycine residue is highly conserved and there is a moderate physicochemical difference between glycine and arginine. This variant is present in population databases (rs780850827, ExAC 0.002%). This variant has not been reported in the literature in individuals with KIAA1549-related conditions. In summary, the available evidence is currently insufficient to determine the role of this variant in disease. Therefore, it has been classified as a Variant of Uncertain Significance.

NM_001164665.2(KIAA1549):c.4627G>A (p.Gly1543Arg)

Gene: KIAA1549 (KIAA1549; minus strand). Cytogenetic location: 7q34.
Variant type: single nucleotide variant.
Coding change: c.4627G>A on transcript NM_001164665.2 (MANE Select); coding-DNA position 4627, G replaced by A.
Protein change: p.Gly1543Arg; replaces glycine 1543 with arginine.
Molecular consequence: missense variant.
Genome position (GRCh38, 1-based): chr7:138,869,686, C>T on the plus strand (G>A on the coding strand, the complement: KIAA1549 is on the minus strand). VCF-style: chr7-138869686-C-T. GRCh37 (hg19) VCF-style: chr7-138554432-C-T.
Other names: c.4627G>A, p.Gly1543Arg (NM_020910.3); short protein forms G1543R.
Identifiers: ClinVar variation 1046787 (VCV001046787.9), dbSNP rs780850827, ClinGen allele CA4505815.